The following is an entry in ClinVar:

ClinVar aggregate classification (germline): Pathogenic. Review status: criteria provided, multiple submitters, no conflicts (2 of 4 stars). 6 submissions from 6 submitters: Pathogenic (6). Last evaluated 2026-01-01.

Conditions:
P3H1-related disorder. Also called: P3H1-related condition.
Osteogenesis imperfecta type 8 (OI8). Identifiers: MedGen C1970458, MONDO:0012581, OMIM 610915.

Submissions (6):

Labcorp Genetics (formerly Invitae), Labcorp
Classification: Pathogenic for Osteogenesis imperfecta type 8. Last evaluated: 2026-01-01. Review status: criteria provided, single submitter. Criteria: Invitae Variant Classification Sherloc (09022015). Collection method: clinical testing. Allele origin: germline.
Comment: This sequence change creates a premature translational stop signal (p.Gln280*) in the P3H1 gene. It is expected to result in an absent or disrupted protein product. Loss-of-function variants in P3H1 are known to be pathogenic (PMID: 17277775, 18566967, 19088120, 22281939). This variant is not present in population databases (gnomAD no frequency). This premature translational stop signal has been observed in individual(s) with autosomal recessive osteogenesis imperfecta (PMID: 24498616). ClinVar contains an entry for this variant (Variation ID: 1076376). For these reasons, this variant has been classified as Pathogenic.

Genome-Nilou Lab
Classification: Pathogenic for Osteogenesis imperfecta type 8. Last evaluated: 2023-04-11. Review status: criteria provided, single submitter. Criteria: ACMG Guidelines, 2015. Collection method: clinical testing. Allele origin: germline. Affected: no.

Dasa
Classification: Pathogenic for Osteogenesis imperfecta type 8. Last evaluated: 2022-11-03. Review status: criteria provided, single submitter. Criteria: ACMG Guidelines, 2015. Collection method: clinical testing. Allele origin: germline. Affected: yes. Observed: 1 variant allele.
Comment: The c.838C>T;p.(Gln280*) variant creates a premature translational stop signal in the P3H1 gene. It is expected to result in an absent or disrupted protein product - PVS1. ClinVar contains an entry for this variant (ClinVar ID: 1076376) - PS4_supporting. This variant is not present in population databases (rs1652551021, gnomAD; ABraOM no frequency) - PM2. In summary, the currently available evidence indicates that the variant is pathogenic.

GeneDx
Classification: Pathogenic. Last evaluated: 2022-09-16. Review status: criteria provided, single submitter. Criteria: GeneDx Variant Classification Process June 2021. Collection method: clinical testing. Allele origin: germline. Affected: yes.
Comment: Nonsense variant predicted to result in protein truncation or nonsense mediated decay in a gene for which loss of function is a known mechanism of disease; Not observed at significant frequency in large population cohorts (gnomAD); This variant is associated with the following publications: (PMID: 24498616, 23301918)

PreventionGenetics, part of Exact Sciences
Classification: Pathogenic for P3H1-related condition. Last evaluated: 2022-09-15. Review status: criteria provided, single submitter. Criteria: ACMG Guidelines, 2015. Collection method: clinical testing. Allele origin: germline.
Comment: The P3H1 c.838C>T variant is predicted to result in premature protein termination (p.Gln280*). This variant in the compound heterozygous condition along with P3H1 c.1080+1G>T variant was reported in one patient with osteogenesis imperfecta (Pepin et al 2013. PubMed ID: 24498616). This variant has not been reported in a large population database, indicating this variant is rare. Nonsense variants in P3H1 are expected to be pathogenic. This variant is interpreted as pathogenic.

Mendelics
Classification: Pathogenic for Osteogenesis imperfecta type 8. Last evaluated: 2022-05-04. Review status: criteria provided, single submitter. Criteria: Mendelics Assertion Criteria 2019. Collection method: clinical testing. Allele origin: germline.

Literature cited by the submitters: PubMed 17277775 (cited by Labcorp Genetics (formerly Invitae), Labcorp); PubMed 18566967 (cited by Labcorp Genetics (formerly Invitae), Labcorp); PubMed 19088120 (cited by Labcorp Genetics (formerly Invitae), Labcorp); PubMed 22281939 (cited by Labcorp Genetics (formerly Invitae), Labcorp); PubMed 24498616 (cited by Labcorp Genetics (formerly Invitae), Labcorp).

NM_022356.4(P3H1):c.838C>T (p.Gln280Ter)

Gene: P3H1 (prolyl 3-hydroxylase 1; minus strand). Cytogenetic location: 1p34.2.
Variant type: single nucleotide variant.
Coding change: c.838C>T on transcript NM_022356.4 (MANE Select); coding-DNA position 838, C replaced by T.
Protein change: p.Gln280Ter; replaces glutamine 280 with a stop codon.
Molecular consequence: nonsense.
Genome position (GRCh38, 1-based): chr1:42,758,954, G>A on the plus strand (C>T on the coding strand, the complement: P3H1 is on the minus strand). VCF-style: chr1-42758954-G-A. GRCh37 (hg19) VCF-style: chr1-43224625-G-A.
Other names: c.838C>T, p.Gln280Ter (NM_001146289.2, NM_001243246.2); c.838C>T (NM_022356.3); short protein forms Q280*.
Identifiers: ClinVar variation 1076376 (VCV001076376.14), dbSNP rs1652551021, ClinGen allele CA339959549.
Genomic context (GRCh38, chr1:42,758,954, plus strand): 5'-GGAAGTCTTCAAAGGGCTTCTCTCGACTTGGGTGGGAAGCAAGCTCCGTGACACAGTTCT[G>A]CTTACAGTTGAGGACCTGGATGTAATGATCTGAAAGGAATCAAACAGAAGGAATAACTAT-3'